The following is an entry in ClinVar:

NM_002880.4(RAF1):c.-281C>G

Gene: RAF1 (Raf-1 proto-oncogene, serine/threonine kinase; minus strand). Cytogenetic location: 3p25.2.
Variant type: single nucleotide variant.
Coding change: c.-281C>G on transcript NM_002880.4 (MANE Select); 281 bases upstream of the start codon, C replaced by G.
Molecular consequence: 5 prime UTR variant. On other transcripts: non-coding transcript variant (3).
Genome position (GRCh38, 1-based): chr3:12,664,067, G>C on the plus strand (C>G on the coding strand, the complement: RAF1 is on the minus strand). VCF-style: chr3-12664067-G-C. GRCh37 (hg19) VCF-style: chr3-12705566-G-C.
Other names: c.-281C>G (NM_001354689.3, NM_001354693.3); c.-504C>G (NM_001354691.3); c.-411C>G (NM_001354692.3, NM_001354694.3, NM_001354695.3).
Identifiers: ClinVar variation 40574 (VCV000040574.10), dbSNP rs61761285, ClinGen allele CA177688.

ClinVar aggregate classification (germline): Benign. Review status: criteria provided, multiple submitters, no conflicts (2 of 4 stars). 4 submissions from 3 submitters: Benign (4). Last evaluated 2018-01-13.

Conditions:
LEOPARD syndrome 2 (LPRD2). Also called: RAF1-Related LEOPARD Syndrome. Identifiers: Orphanet 500, MedGen C1969056, MONDO:0012691, OMIM 611554.
Noonan syndrome 5 (NS5). Also called: RAF1-Related Noonan Syndrome. Identifiers: Orphanet 648, MedGen C1969057, MONDO:0012690, OMIM 611553. Disease mechanism: gain of function.

Allele frequency attached by ClinVar (database versions not stated): gnomAD 0.01090; TOPMed 0.01121; 1000 Genomes Project 0.01218; 1000 Genomes Project 30x 0.01343.
gnomAD v4.1: 1,891 of 398,360 alleles (0.47%); highest among the groups gnomAD compares: African/African-American, 3.6%; 24 homozygotes.

Submissions (4):

Illumina Laboratory Services, Illumina
Classification: Benign for LEOPARD syndrome 2. Last evaluated: 2018-01-13. Review status: criteria provided, single submitter. Criteria: ICSL Variant Classification Criteria 13 December 2019. Collection method: clinical testing. Allele origin: germline.
Comment: This variant was observed in the ICSL laboratory as part of a predisposition screen in an ostensibly healthy population. It had not been previously curated by ICSL or reported in the Human Gene Mutation Database (HGMD: prior to June 1st, 2018), and was therefore a candidate for classification through an automated scoring system. Utilizing variant allele frequency, disease prevalence and penetrance estimates, and inheritance mode, an automated score was calculated to assess if this variant is too frequent to cause the disease. Based on the score and internal cut-off values, a variant classified as benign is not then subjected to further curation. The score for this variant resulted in a classification of benign for this disease.

Illumina Laboratory Services, Illumina
Classification: Benign for Noonan syndrome 5. Last evaluated: 2018-01-13. Review status: criteria provided, single submitter. Criteria: ICSL Variant Classification Criteria 13 December 2019. Collection method: clinical testing. Allele origin: germline.
Comment: the same text as in the submission from Illumina Laboratory Services, Illumina above.

Laboratory for Molecular Medicine, Mass General Brigham Personalized Medicine
Classification: Benign. Last evaluated: 2015-07-16. Review status: criteria provided, single submitter. Criteria: LMM Criteria. Collection method: clinical testing. Allele origin: germline. Observed: 9 variant alleles.
Comment: c.-281C>G in the 5' UTR of RAF1: This variant is not expected to have clinical s ignificance because it has been identified in 4.4% (58/1322) of African chromoso mes by the 1000 Genomes Project (dbSNP rs61761285).

GeneDx
Classification: Benign. Last evaluated: 2015-03-03. Review status: criteria provided, single submitter. Criteria: GeneDx Variant Classification Process June 2021. Collection method: clinical testing. Allele origin: germline. Affected: yes.